The following is an entry in ClinVar:

NM_144773.4(PROKR2):c.1110C>T (p.Asn370=)

Gene: PROKR2 (prokineticin receptor 2; minus strand). Cytogenetic location: 20p12.3.
Variant type: single nucleotide variant.
Coding change: c.1110C>T on transcript NM_144773.4 (MANE Select); coding-DNA position 1110, C replaced by T.
Protein change: p.Asn370=; no amino-acid change (asparagine 370 retained).
Molecular consequence: synonymous variant.
Genome position (GRCh38, 1-based): chr20:5,302,085, G>A on the plus strand (C>T on the coding strand, the complement: PROKR2 is on the minus strand). VCF-style: chr20-5302085-G-A. GRCh37 (hg19) VCF-style: chr20-5282731-G-A.
Identifiers: ClinVar variation 338852 (VCV000338852.15), dbSNP rs76049287, ClinGen allele CA9754198.

ClinVar aggregate classification (germline): Benign. Review status: criteria provided, multiple submitters, no conflicts (2 of 4 stars). 5 submissions from 5 submitters: Benign (5). Last evaluated 2026-05-12.

Conditions:
Hypogonadotropic hypogonadism 3 with or without anosmia (HH3). Also called: HYPOGONADOTROPIC HYPOGONADISM 3 WITH ANOSMIA; PROKR2-Related GnRH Deficiency (Kallmann Syndrome 3). Identifiers: Orphanet 478, MedGen C3550478, MONDO:0009482, OMIM 244200.

Allele frequency attached by ClinVar (database versions not stated): gnomAD exomes 0.00260 and 0.00620; 1000 Genomes Project 30x 0.01124; 1000 Genomes Project 0.01238; ESP Exome Variant Server 0.00008; TOPMed 0.00194; ExAC 0.00653; gnomAD 0.00086 and 0.00222.

Submissions (5):

Women's Health and Genetics/Laboratory Corporation of America, LabCorp
Classification: Benign. Last evaluated: 2026-05-12. Review status: criteria provided, single submitter. Criteria: LabCorp Variant Classification Summary - May 2015. Collection method: clinical testing. Allele origin: germline.

Labcorp Genetics (formerly Invitae), Labcorp
Classification: Benign. Last evaluated: 2026-01-24. Review status: criteria provided, single submitter. Criteria: Invitae Variant Classification Sherloc (09022015). Collection method: clinical testing. Allele origin: germline.

Illumina Laboratory Services, Illumina
Classification: Benign for Hypogonadotropic hypogonadism 3 with or without anosmia. Last evaluated: 2018-01-12. Review status: criteria provided, single submitter. Criteria: ICSL Variant Classification Criteria 13 December 2019. Collection method: clinical testing. Allele origin: germline.
Comment: This variant was observed in the ICSL laboratory as part of a predisposition screen in an ostensibly healthy population. It had not been previously curated by ICSL or reported in the Human Gene Mutation Database (HGMD: prior to June 1st, 2018), and was therefore a candidate for classification through an automated scoring system. Utilizing variant allele frequency, disease prevalence and penetrance estimates, and inheritance mode, an automated score was calculated to assess if this variant is too frequent to cause the disease. Based on the score and internal cut-off values, a variant classified as benign is not then subjected to further curation. The score for this variant resulted in a classification of benign for this disease.

GeneDx
Classification: Benign. Last evaluated: 2015-03-18. Review status: criteria provided, single submitter. Criteria: GeneDx Variant Classification (06012015). Collection method: clinical testing. Allele origin: germline. Affected: yes.
Comment: This variant is considered likely benign or benign based on one or more of the following criteria: it is a conservative change, it occurs at a poorly conserved position in the protein, it is predicted to be benign by multiple in silico algorithms, and/or has population frequency not consistent with disease.

Breakthrough Genomics
Classification: Benign. Review status: criteria provided, single submitter. Criteria: ACMG Guidelines, 2015. Collection method: not provided. Allele origin: germline. Inheritance: Autosomal dominant inheritance. Affected: yes.